The following is an entry in ClinVar:

NM_006885.4(ZFHX3):c.3383T>C (p.Leu1128Pro)

Gene: ZFHX3 (zinc finger homeobox 3; minus strand). Cytogenetic location: 16q22.3.
Variant type: single nucleotide variant.
Coding change: c.3383T>C on transcript NM_006885.4 (MANE Select); coding-DNA position 3383, T replaced by C.
Protein change: p.Leu1128Pro; replaces leucine 1128 with proline.
Molecular consequence: missense variant.
Genome position (GRCh38, 1-based): chr16:72,889,796, A>G on the plus strand (T>C on the coding strand, the complement: ZFHX3 is on the minus strand). VCF-style: chr16-72889796-A-G. GRCh37 (hg19) VCF-style: chr16-72923695-A-G.
Other names: c.641T>C, p.Leu214Pro (NM_001164766.2); c.3383T>C, p.Leu1128Pro (NM_001386735.1); short protein forms L1128P, L214P.
Identifiers: ClinVar variation 3900081 (VCV003900081.3).

ClinVar aggregate classification (germline): Uncertain significance. Review status: criteria provided, multiple submitters, no conflicts (2 of 4 stars). 2 submissions from 2 submitters: Uncertain significance (2). Last evaluated 2025-08-04.

gnomAD v4.1: 24 of 1,613,546 alleles (0.0015%); highest among the groups gnomAD compares: Middle Eastern, 0.071%; 1 homozygote.

Submissions (2):

Dasa
Classification: Uncertain significance. Last evaluated: 2025-08-04. Review status: criteria provided, single submitter. Criteria: DASA Assertion Criteria. Collection method: clinical testing. Allele origin: germline.
Comment: NM_006885.4(ZFHX3):c.3383T>C (p.Leu1128Pro) is a missense variant that results in the substitution of leucine with proline. This variant is rare in population databases. The currently available literature and clinical evidence are not sufficient to establish a definitive association between this variant and the reported condition. Therefore, this variant is classified as a variant of uncertain significance.

GeneDx
Classification: Uncertain significance. Last evaluated: 2024-11-21. Review status: criteria provided, single submitter. Criteria: GeneDx Variant Classification Process June 2021. Collection method: clinical testing. Allele origin: germline. Affected: yes.
Comment: In silico analysis supports that this missense variant has a deleterious effect on protein structure/function; Has not been previously published as pathogenic or benign to our knowledge